The following is an entry in ClinVar:

ClinVar aggregate classification (germline): Likely pathogenic (1 of 4 stars; one submission).

Submission:

GeneDx
Classification: Likely pathogenic. Last evaluated: 2017-03-13. Review status: criteria provided, single submitter. Criteria: GeneDx Variant Classification (06012015). Collection method: clinical testing. Allele origin: germline. Affected: yes.
Comment: A variant that is likely pathogenic has been identified in the ZBTB20 gene. The T601K variant has not been published as a pathogenic variant, nor has it been reported as a benign variant to our knowledge. It is not observed in large population cohorts (Lek et al., 2016; 1000 Genomes Consortium et al., 2015; Exome Variant Server). The T601K variant is a semi-conservative amino acid substitution, which may impact secondary protein structure as these residues differ in some properties. In silico analysis predicts this variant is probably damaging to the protein structure/function. Additionally, this substitution occurs at a conserved position within a highly conserved functional motif of the ZBTB20 protein, and other missense variants at the same residue (T601I) and in nearby residues (H596R; G602A; K604T) have been reported as de novo variants in individuals with Primrose syndrome (Cordeddu et al., 2014; Stenson et al., 2014), supporting the functional importance of this region of the protein. Therefore, the T601K variant is likely pathogenic.

NM_001348800.3(ZBTB20):c.1802C>A (p.Thr601Lys)

Gene: ZBTB20 (zinc finger and BTB domain containing 20; minus strand). Cytogenetic location: 3q13.31.
Variant type: single nucleotide variant.
Coding change: c.1802C>A on transcript NM_001348800.3 (MANE Select); coding-DNA position 1802, C replaced by A.
Protein change: p.Thr601Lys; replaces threonine 601 with lysine.
Molecular consequence: missense variant.
Genome position (GRCh38, 1-based): chr3:114,350,276, G>T on the plus strand (C>A on the coding strand, the complement: ZBTB20 is on the minus strand). VCF-style: chr3-114350276-G-T. GRCh37 (hg19) VCF-style: chr3-114069123-G-T.
Other names: c.1802C>A, p.Thr601Lys (NM_001164342.2, NM_001348803.3, NM_001393393.1 and 1 more transcripts); c.1583C>A, p.Thr528Lys (NM_001164343.2, NM_001164344.4, NM_001164345.4 and 9 more transcripts); short protein forms T601K, T528K.
Identifiers: ClinVar variation 424168 (VCV000424168.2), dbSNP rs483353067, ClinGen allele CA16617804.